The following is an entry in ClinVar:

NM_001009944.3(PKD1):c.6856dup (p.Leu2286fs)

Gene: PKD1 (polycystin 1, transient receptor potential channel interacting; minus strand). Cytogenetic location: 16p13.3.
Variant type: Duplication.
Coding change: c.6856dup on transcript NM_001009944.3 (MANE Select); coding-DNA position 6856, one base duplicated (C; older notation c.6856dupC).
Protein change: p.Leu2286fs; shifts the reading frame from leucine 2286.
Molecular consequence: frameshift variant.
Genome position (GRCh38, 1-based): chr16:2,108,311, G duplicated on the plus strand (C on the coding strand, the reverse complement: PKD1 is on the minus strand); the first of 2 consecutive G bases (chr16:2,108,311-2,108,312); duplicating either gives the same sequence. VCF-style (leftmost placement, unchanged base first): chr16-2108310-A-AG. GRCh37 (hg19) VCF-style: chr16-2158311-A-AG.
Other names: c.6856dupC (NM_001009944.3); c.6856dup, p.Leu2286fs (NM_000296.4); short protein forms L2286fs.
Identifiers: ClinVar variation 3068611 (VCV003068611.1), dbSNP rs2544799645, ClinGen allele CA2573331992.
Genomic context (GRCh38, chr16:2,108,310, plus strand): 5'-ACCTGTGTCGAAGCCACACAGGCCCAGTGGAAACTGAGCGGCGTCTGGTCGCCGTCCTCC[A>AG]GGTTGGGGTCGTAGGACTCGCTCCCATCCAGCACCAGGTCCCGTGTGTCTGACCACACGC-3'

ClinVar aggregate classification (germline): Pathogenic (1 of 4 stars; one submission).

Conditions:
Autosomal dominant polycystic kidney disease. Identifiers: Orphanet 730, MedGen C0085413, MONDO:0004691.

Submission:

Molecular Genetics, Royal Melbourne Hospital
Classification: Pathogenic for Autosomal dominant polycystic kidney disease. Last evaluated: 2023-03-30. Review status: criteria provided, single submitter. Criteria: ACMG Guidelines, 2015. Collection method: clinical testing. Allele origin: germline. Affected: yes.
Comment: This sequence change in PKD1 is a frameshift variant predicted to cause a premature stop codon, p.(Leu2286Profs*134), in biologically relevant exon 15/46 leading to nonsense-mediated decay in a gene in which loss-of-function is an established disease mechanism (PMID: 20301424). This variant is absent from the population database gnomAD v2.1/3.1. To our knowledge, this variant has not been reported in the literature or in locus-specific databases in any individuals with ADPKD. Based on the classification scheme RMH Modified ACMG Guidelines v1.5.1, this variant is classified as PATHOGENIC. Following criteria are met: PM2_Supporting, PS4_Supporting, PVS1.

Literature cited by the submitters: PubMed 20301424.